The following is an entry in ClinVar:

NM_171998.4(RAB39B):c.330C>T (p.His110=)

Gene: RAB39B (RAB39B, member RAS oncogene family; minus strand). Cytogenetic location: Xq28.
Variant type: single nucleotide variant.
Coding change: c.330C>T on transcript NM_171998.4 (MANE Select); coding-DNA position 330, C replaced by T.
Protein change: p.His110=; no amino-acid change (histidine 110 retained).
Molecular consequence: synonymous variant.
Genome position (GRCh38, 1-based): chrX:155,261,115, G>A on the plus strand (C>T on the coding strand, the complement: RAB39B is on the minus strand). VCF-style: chrX-155261115-G-A. GRCh37 (hg19) VCF-style: chrX-154490400-G-A.
Other names: c.330C>T (NM_171998.3).
Identifiers: ClinVar variation 1536817 (VCV001536817.12), dbSNP rs782592713, ClinGen allele CA10569219.

ClinVar aggregate classification (germline): Benign/Likely benign. Review status: criteria provided, multiple submitters, no conflicts (2 of 4 stars). 3 submissions from 3 submitters: Benign (1); Likely benign (1). 1 of the submissions does not count toward it. Last evaluated 2021-10-12.

Conditions:
RAB39B-related disorder. Also called: RAB39B-related condition.
Inborn genetic diseases. Identifiers: MedGen C0950123, MeSH D030342.

Allele frequency attached by ClinVar (database versions not stated): gnomAD 0.00001; TOPMed 0.00002; ExAC 0.00003; gnomAD exomes 0.00008.

Submissions (3):

Labcorp Genetics (formerly Invitae), Labcorp
Classification: Benign. Last evaluated: 2021-10-12. Review status: criteria provided, single submitter. Criteria: Invitae Variant Classification Sherloc (09022015). Collection method: clinical testing. Allele origin: germline.

Ambry Genetics
Classification: Likely benign for Inborn genetic diseases. Last evaluated: 2017-09-26. Review status: criteria provided, single submitter. Criteria: Ambry Variant Classification Scheme 2023. Collection method: clinical testing. Allele origin: germline.

PreventionGenetics, part of Exact Sciences
Classification: Likely benign for RAB39B-related condition. Last evaluated: 2021-05-03. Review status: no assertion criteria provided. Collection method: clinical testing. Allele origin: germline. Not counted in ClinVar's aggregate classification.
Comment: This variant is classified as likely benign based on ACMG/AMP sequence variant interpretation guidelines (Richards et al. 2015 PMID: 25741868, with internal and published modifications).